The following is an entry in ClinVar:

NM_001385125.1(OPN1SW):c.357A>C (p.Gly119=)

Gene: OPN1SW (opsin 1, short wave sensitive; minus strand). Cytogenetic location: 7q32.1.
Variant type: single nucleotide variant.
Coding change: c.357A>C on transcript NM_001385125.1 (MANE Select); coding-DNA position 357, A replaced by C.
Protein change: p.Gly119=; no amino-acid change (glycine 119 retained).
Molecular consequence: synonymous variant.
Genome position (GRCh38, 1-based): chr7:128,775,141, T>G on the plus strand (A>C on the coding strand, the complement: OPN1SW is on the minus strand). VCF-style: chr7-128775141-T-G. GRCh37 (hg19) VCF-style: chr7-128415195-T-G.
Other names: NM_001708.2:c.366A>C.
Identifiers: ClinVar variation 1169097 (VCV001169097.14), dbSNP rs1799922, ClinGen allele CA4472961.
Genomic context (GRCh38, chr7:128,775,141, plus strand): 5'-GTTGCCGAAGGGCTTACAGATGACAATGTAGCGCTCAAAGGCCAGGAAGGCCAGTGACCA[T>G]CCTGTAACCAGACCTGTGGTGAAATGTGAGGATAATGGGCTAGACAGAGCCCCACCCAGC-3'
Protein context (NP_001372054.1, residues 109-129): FLGTVAGLVT[Gly119=]WSLAFLAFER

ClinVar aggregate classification (germline): Benign. Review status: criteria provided, multiple submitters, no conflicts (2 of 4 stars). 4 submissions from 4 submitters: Benign (3). 1 of the submissions does not count toward it. Last evaluated 2026-02-04.

Conditions:
Blue color blindness. Also called: BLUE COLORBLINDNESS; COLORBLINDNESS, TRITAN; COLORBLINDNESS, TRITANOPIC; Tritanomaly. Identifiers: Orphanet 88629, MedGen C0155017, MONDO:0008610, OMIM 190900, HP:0000552.
OPN1SW-related disorder. Also called: OPN1SW-related condition.

Allele frequency attached by ClinVar (database versions not stated): ESP Exome Variant Server 0.31693; gnomAD exomes 0.37258 and 0.30125; gnomAD 0.29414 and 0.29989; ExAC 0.30256; 1000 Genomes Project 30x 0.18613; 1000 Genomes Project 0.18710; TOPMed 0.28765.

Submissions (4):

Labcorp Genetics (formerly Invitae), Labcorp
Classification: Benign. Last evaluated: 2026-02-04. Review status: criteria provided, single submitter. Criteria: Invitae Variant Classification Sherloc (09022015). Collection method: clinical testing. Allele origin: germline.

Genome-Nilou Lab
Classification: Benign for Blue color blindness. Last evaluated: 2021-09-05. Review status: criteria provided, single submitter. Criteria: ACMG Guidelines, 2015. Collection method: clinical testing. Allele origin: germline. Affected: no.

Breakthrough Genomics
Classification: Benign. Review status: criteria provided, single submitter. Criteria: ACMG Guidelines, 2015. Collection method: not provided. Allele origin: germline. Inheritance: Autosomal dominant inheritance. Affected: yes.

PreventionGenetics, part of Exact Sciences
Classification: Benign for OPN1SW-related condition. Last evaluated: 2019-10-17. Review status: no assertion criteria provided. Collection method: clinical testing. Allele origin: germline. Not counted in ClinVar's aggregate classification.
Comment: This variant is classified as benign based on ACMG/AMP sequence variant interpretation guidelines (Richards et al. 2015 PMID: 25741868, with internal and published modifications).